The following is an entry in ClinVar:

NM_001371395.1(USP53):c.205C>T (p.Gln69Ter)

Gene: USP53 (ubiquitin specific peptidase 53; plus strand). Cytogenetic location: 4q26.
Variant type: single nucleotide variant.
Coding change: c.205C>T on transcript NM_001371395.1 (MANE Select); coding-DNA position 205, C replaced by T.
Protein change: p.Gln69Ter; replaces glutamine 69 with a stop codon.
Molecular consequence: nonsense. On other transcripts: 5 prime UTR variant (6).
Genome position (GRCh38, 1-based): chr4:119,245,397, C>T. VCF-style: chr4-119245397-C-T. GRCh37 (hg19) VCF-style: chr4-120166552-C-T.
Other names: c.205C>T, p.Gln69Ter (NM_001371396.1, NM_001371397.1, NM_001371398.1 and 6 more transcripts); c.-144C>T (NM_001389662.1, NM_001389663.1, NM_001389664.1 and 3 more transcripts); short protein forms Q69*.
Identifiers: ClinVar variation 1333554 (VCV001333554.1), dbSNP rs1748101805, ClinGen allele CA358022758.
Genomic context (GRCh38, chr4:119,245,397, plus strand): 5'-GTTTTATGGCAATTGGATATATTCCGACGAAGCTTGCGGGTTTTGACTGGACATGTTTGT[C>T]AGGGAGATGCCTGTATATTTTGTGCATTGAAGGTAACCTTTTAATAGCTCTGAAAAACTA-3'

ClinVar aggregate classification (germline): Likely pathogenic (1 of 4 stars; one submission).

Conditions:
Cholestasis, progressive familial intrahepatic, 7, with or without hearing loss. Identifiers: MedGen C5562043, MONDO:0030503, OMIM 619658.

Allele frequency attached by ClinVar (database versions not stated): TOPMed below 0.00001; gnomAD 0.00001.

Submission:

3billion
Classification: Likely pathogenic for Cholestasis, progressive familial intrahepatic, 7, with or without hearing loss. Last evaluated: 2022-01-03. Review status: criteria provided, single submitter. Criteria: ACMG Guidelines, 2015. Collection method: clinical testing. Allele origin: germline. Affected: yes. Observed: 1 heterozygote.
Comment: Stop-gained (nonsense): predicted to result in a loss or disruption of normal protein function through nonsense-mediated decay (NMD) or protein truncation. Multiple pathogenic variants are reported downstream of the variant (PVS1_VS). It is not observed in the gnomAD v2.1.1 dataset (PM2_M). Therefore, this variant is classified as likely pathogenic according to the recommendation of ACMG/AMP guideline.